The following is an entry in ClinVar:

ClinVar aggregate classification (germline): Benign/Likely benign. Review status: criteria provided, multiple submitters, no conflicts (2 of 4 stars). 5 submissions from 4 submitters: Benign (4); Likely benign (1). Last evaluated 2025-11-08.

Conditions:
Autosomal dominant nonsyndromic hearing loss 20. Identifiers: Orphanet 90635, MedGen C1858172, MONDO:0011480, OMIM 604717.
Baraitser-winter syndrome 2. Identifiers: Orphanet 2995, MedGen C3281235, MONDO:0013812, OMIM 614583.

Allele frequency attached by ClinVar (database versions not stated): ESP Exome Variant Server 0.00015; gnomAD exomes 0.00016 and 0.00031; ExAC 0.00017; gnomAD 0.00020 and 0.00021; TOPMed 0.00020.
gnomAD v4.1: 280 of 1,614,010 alleles (0.017%); highest among the groups gnomAD compares: Non-Finnish European, 0.0034%; 1 homozygote.

Submissions (5):

Labcorp Genetics (formerly Invitae), Labcorp
Classification: Benign for Baraitser-winter syndrome 2; Autosomal dominant nonsyndromic hearing loss 20. Last evaluated: 2025-11-08. Review status: criteria provided, single submitter. Criteria: Invitae Variant Classification Sherloc (09022015). Collection method: clinical testing. Allele origin: germline.

Genome-Nilou Lab
Classification: Benign for Baraitser-winter syndrome 2. Last evaluated: 2021-12-05. Review status: criteria provided, single submitter. Criteria: ACMG Guidelines, 2015. Collection method: clinical testing. Allele origin: germline. Affected: no.

Genome-Nilou Lab
Classification: Benign for Autosomal dominant nonsyndromic hearing loss 20. Last evaluated: 2021-12-05. Review status: criteria provided, single submitter. Criteria: ACMG Guidelines, 2015. Collection method: clinical testing. Allele origin: germline. Affected: no.

GeneDx
Classification: Benign. Last evaluated: 2020-03-19. Review status: criteria provided, single submitter. Criteria: GeneDx Variant Classification Process June 2021. Collection method: clinical testing. Allele origin: germline. Affected: yes.

Laboratory for Molecular Medicine, Mass General Brigham Personalized Medicine
Classification: Likely benign. Last evaluated: 2016-08-23. Review status: criteria provided, single submitter. Criteria: LMM Criteria. Collection method: clinical testing. Allele origin: germline. Observed: 2 variant alleles.
Comment: p.Asn115Asn in exon 3 of ACTG1: This variant is not expected to have clinical si gnificance because it does not alter an amino acid residue and is not located wi thin the splice consensus sequence. It has been identified in 21/66260 European chromosomes by the Exome Aggregation Consortium (ExAC; dbSNP rs149057480).

NM_001614.5(ACTG1):c.345C>T (p.Asn115=)

Gene: ACTG1 (actin gamma 1; minus strand). Cytogenetic location: 17q25.3.
Variant type: single nucleotide variant.
Coding change: c.345C>T on transcript NM_001614.5 (MANE Select); coding-DNA position 345, C replaced by T.
Protein change: p.Asn115=; no amino-acid change (asparagine 115 retained).
Molecular consequence: synonymous variant. On other transcripts: non-coding transcript variant (1).
Genome position (GRCh38, 1-based): chr17:81,511,921, G>A on the plus strand (C>T on the coding strand, the complement: ACTG1 is on the minus strand). VCF-style: chr17-81511921-G-A. GRCh37 (hg19) VCF-style: chr17-79478947-G-A.
Other names: c.345C>T, p.Asn115= (NM_001199954.3).
Identifiers: ClinVar variation 505261 (VCV000505261.16), dbSNP rs149057480, ClinGen allele CA8836276.